The following is an entry in ClinVar:

NM_014264.5(PLK4):c.1492A>G (p.Ile498Val)

Gene: PLK4 (polo like kinase 4; plus strand). Cytogenetic location: 4q28.1.
Variant type: single nucleotide variant.
Coding change: c.1492A>G on transcript NM_014264.5 (MANE Select); coding-DNA position 1492, A replaced by G.
Protein change: p.Ile498Val; replaces isoleucine 498 with valine.
Molecular consequence: missense variant.
Genome position (GRCh38, 1-based): chr4:127,889,898, A>G. VCF-style: chr4-127889898-A-G. GRCh37 (hg19) VCF-style: chr4-128811053-A-G.
Other names: c.1396A>G, p.Ile466Val (NM_001190799.2); c.1369A>G, p.Ile457Val (NM_001190801.2); short protein forms I498V, I457V, I466V.
Identifiers: ClinVar variation 958020 (VCV000958020.7), dbSNP rs1361100136, ClinGen allele CA358155463.

ClinVar aggregate classification (germline): Uncertain significance. Review status: criteria provided, multiple submitters, no conflicts (2 of 4 stars). 2 submissions from 2 submitters: Uncertain significance (2). Last evaluated 2025-04-18.

Conditions:
Inborn genetic diseases. Identifiers: MedGen C0950123, MeSH D030342.

Allele frequency attached by ClinVar (database versions not stated): gnomAD exomes below 0.00001; TOPMed below 0.00001; gnomAD 0.00001.

Submissions (2):

Ambry Genetics
Classification: Uncertain significance for Inborn genetic diseases. Last evaluated: 2025-04-18. Review status: criteria provided, single submitter. Criteria: Ambry Variant Classification Scheme 2023. Collection method: clinical testing. Allele origin: germline.

Labcorp Genetics (formerly Invitae), Labcorp
Classification: Uncertain significance. Last evaluated: 2019-10-05. Review status: criteria provided, single submitter. Criteria: Invitae Variant Classification Sherloc (09022015). Collection method: clinical testing. Allele origin: germline.
Comment: In summary, the available evidence is currently insufficient to determine the role of this variant in disease. Therefore, it has been classified as a Variant of Uncertain Significance. Algorithms developed to predict the effect of missense changes on protein structure and function output the following: SIFT: "Tolerated"; PolyPhen-2: "Benign"; Align-GVGD: "Class C0". The valine amino acid residue is found in multiple mammalian species, suggesting that this missense change does not adversely affect protein function. These predictions have not been confirmed by published functional studies and their clinical significance is uncertain. This variant has not been reported in the literature in individuals with PLK4-related conditions. This variant is not present in population databases (ExAC no frequency). This sequence change replaces isoleucine with valine at codon 498 of the PLK4 protein (p.Ile498Val). The isoleucine residue is weakly conserved and there is a small physicochemical difference between isoleucine and valine.